The following is an entry in ClinVar:

ClinVar aggregate classification (germline): Uncertain significance (1 of 4 stars; one submission).

Allele frequency attached by ClinVar (database versions not stated): ExAC 0.00001; gnomAD 0.00001.
gnomAD v4.1: 22 of 1,614,026 alleles (0.0014%); highest among the groups gnomAD compares: East Asian, 0.0022%; no homozygotes.

Submission:

Labcorp Genetics (formerly Invitae), Labcorp
Classification: Uncertain significance. Last evaluated: 2022-03-13. Review status: criteria provided, single submitter. Criteria: Invitae Variant Classification Sherloc (09022015). Collection method: clinical testing. Allele origin: germline.
Comment: In summary, the available evidence is currently insufficient to determine the role of this variant in disease. Therefore, it has been classified as a Variant of Uncertain Significance. Algorithms developed to predict the effect of missense changes on protein structure and function are either unavailable or do not agree on the potential impact of this missense change (SIFT: "Deleterious"; PolyPhen-2: "Benign"; Align-GVGD: "Class C0"). This sequence change replaces alanine, which is neutral and non-polar, with threonine, which is neutral and polar, at codon 72 of the CHRM3 protein (p.Ala72Thr). This variant has not been reported in the literature in individuals affected with CHRM3-related conditions. This variant is present in population databases (rs764345192, gnomAD 0.003%).

NM_001375978.1(CHRM3):c.214G>A (p.Ala72Thr)

Gene: CHRM3 (cholinergic receptor muscarinic 3; plus strand). Cytogenetic location: 1q43.
Variant type: single nucleotide variant.
Coding change: c.214G>A on transcript NM_001375978.1 (MANE Select); coding-DNA position 214, G replaced by A.
Protein change: p.Ala72Thr; replaces alanine 72 with threonine.
Molecular consequence: missense variant.
Genome position (GRCh38, 1-based): chr1:239,907,665, G>A. VCF-style: chr1-239907665-G-A. GRCh37 (hg19) VCF-style: chr1-240070965-G-A.
Other names: c.214G>A, p.Ala72Thr (NM_000740.4, NM_001347716.2, NM_001375979.1 and 6 more transcripts); short protein forms A72T.
Identifiers: ClinVar variation 1985212 (VCV001985212.4), dbSNP rs764345192, ClinGen allele CA1475753.
Genomic context (GRCh38, chr1:239,907,665, plus strand): 5'-CCAGACGGTACCACCGATGACCCTCTGGGAGGTCATACCGTCTGGCAAGTGGTCTTCATC[G>A]CTTTCTTAACGGGCATCCTGGCCTTGGTGACCATCATCGGCAACATCCTGGTAATTGTGT-3'
Protein context (NP_001362907.1, residues 62-82): GHTVWQVVFI[Ala72Thr]FLTGILALVT